The following is an entry in ClinVar:

NM_001378457.1(DMXL2):c.6895C>T (p.Arg2299Cys)

Gene: DMXL2 (Dmx like 2; minus strand). Cytogenetic location: 15q21.2.
Variant type: single nucleotide variant.
Coding change: c.6895C>T on transcript NM_001378457.1 (MANE Select); coding-DNA position 6895, C replaced by T.
Protein change: p.Arg2299Cys; replaces arginine 2299 with cysteine.
Molecular consequence: missense variant. On other transcripts: non-coding transcript variant (2).
Genome position (GRCh38, 1-based): chr15:51,476,658, G>A on the plus strand (C>T on the coding strand, the complement: DMXL2 is on the minus strand). VCF-style: chr15-51476658-G-A. GRCh37 (hg19) VCF-style: chr15-51768855-G-A.
Other names: c.6895C>T, p.Arg2299Cys (NM_001174116.3, NM_001378459.1, NM_001378461.1 and 1 more transcripts); c.4984C>T, p.Arg1662Cys (NM_001174117.3); c.6892C>T, p.Arg2298Cys (NM_001378458.1, NM_001378462.1, NM_015263.5); c.4873C>T, p.Arg1625Cys (NM_001378460.1); c.6652C>T, p.Arg2218Cys (NM_001378464.1); c.6895C>T (NM_001174116.1); short protein forms R2218C, R1625C, R2299C, R1662C, R2298C.
Identifiers: ClinVar variation 1979114 (VCV001979114.3), dbSNP rs1265380798, ClinGen allele CA392441554.
Genomic context (GRCh38, chr15:51,476,658, plus strand): 5'-GAGCAGGAGATGAATTTGGTGTTGCGTGTTCTTCAATGCTTTCTGTCCTTAGTCTTCTAC[G>A]ATCACTTAAAAGAAGTCCTTGATAAGCCATTCCTGTAAACTGATTTCCTTCTGTTTGACT-3'
Protein context (NP_001365386.1, residues 2289-2309): MAYQGLLLSD[Arg2299Cys]RRLRTESIEE

ClinVar aggregate classification (germline): Uncertain significance. Review status: criteria provided, multiple submitters, no conflicts (2 of 4 stars). 2 submissions from 2 submitters: Uncertain significance (2). Last evaluated 2026-01-09.

Conditions:
Inborn genetic diseases. Identifiers: MedGen C0950123, MeSH D030342.

Allele frequency attached by ClinVar (database versions not stated): gnomAD exomes below 0.00001; gnomAD 0.00001.
gnomAD v4.1: 3 of 1,611,116 alleles (0.00019%); highest among the groups gnomAD compares: South Asian, 0.0011%; no homozygotes.

Submissions (2):

Ambry Genetics
Classification: Uncertain significance for Inborn genetic diseases. Last evaluated: 2026-01-09. Review status: criteria provided, single submitter. Criteria: Ambry Variant Classification Scheme 2023. Collection method: clinical testing. Allele origin: germline.

Labcorp Genetics (formerly Invitae), Labcorp
Classification: Uncertain significance. Last evaluated: 2022-05-06. Review status: criteria provided, single submitter. Criteria: Invitae Variant Classification Sherloc (09022015). Collection method: clinical testing. Allele origin: germline.
Comment: In summary, the available evidence is currently insufficient to determine the role of this variant in disease. Therefore, it has been classified as a Variant of Uncertain Significance. Algorithms developed to predict the effect of missense changes on protein structure and function are either unavailable or do not agree on the potential impact of this missense change (SIFT: "Deleterious"; PolyPhen-2: "Probably Damaging"; Align-GVGD: "Class C0"). This variant has not been reported in the literature in individuals affected with DMXL2-related conditions. This variant is not present in population databases (gnomAD no frequency). This sequence change replaces arginine, which is basic and polar, with cysteine, which is neutral and slightly polar, at codon 2299 of the DMXL2 protein (p.Arg2299Cys).